The following is an entry in ClinVar:

ClinVar aggregate classification (germline): Likely benign (1 of 4 stars; one submission).

Conditions:
Juvenile polyposis syndrome (JPS). Identifiers: Orphanet 2929, MedGen C0345893, MONDO:0017380, OMIM 174900.

Submission:

Myriad Genetics, Inc.
Classification: Likely benign for Juvenile polyposis syndrome. Last evaluated: 2024-08-06. Review status: criteria provided, single submitter. Criteria: Myriad Autosomal Dominant, Autosomal Recessive and X-Linked Classification Criteria (2023). Collection method: clinical testing. Allele origin: unknown.
Comment: This variant is considered likely benign. This variant is intronic and is not expected to impact mRNA splicing.

NM_004329.3(BMPR1A):c.1166+9T>G

Gene: BMPR1A (bone morphogenetic protein receptor type 1A; plus strand). Cytogenetic location: 10q23.2.
Variant type: single nucleotide variant.
Coding change: c.1166+9T>G on transcript NM_004329.3 (MANE Select); 9 bases into the intron after coding-DNA position 1166, T replaced by G.
Molecular consequence: intron variant.
Genome position (GRCh38, 1-based): chr10:86,919,478, T>G. VCF-style: chr10-86919478-T-G. GRCh37 (hg19) VCF-style: chr10-88679235-T-G.
Other names: c.1166+9T>G (NM_001406562.1, NM_001406568.1, NM_001406567.1 and 19 more transcripts); c.1082+9T>G (NM_001406584.1, NM_001406588.1, NM_001406587.1 and 2 more transcripts); c.1214+9T>G (NM_001406560.1); c.1241+9T>G (NM_001406559.1); c.1160+9T>G (NM_001406583.1); c.824+9T>G (NM_001406589.1).
Identifiers: ClinVar variation 3378501 (VCV003378501.1).